The following is an entry in ClinVar:

NM_005506.4(SCARB2):c.1273C>T (p.Leu425=)

Gene: SCARB2 (scavenger receptor class B member 2; minus strand). Cytogenetic location: 4q21.1.
Variant type: single nucleotide variant.
Coding change: c.1273C>T on transcript NM_005506.4 (MANE Select); coding-DNA position 1273, C replaced by T.
Protein change: p.Leu425=; no amino-acid change (leucine 425 retained).
Molecular consequence: synonymous variant.
Genome position (GRCh38, 1-based): chr4:76,163,350, G>A on the plus strand (C>T on the coding strand, the complement: SCARB2 is on the minus strand). VCF-style: chr4-76163350-G-A. GRCh37 (hg19) VCF-style: chr4-77084503-G-A.
Other names: c.844C>T, p.Leu282= (NM_001204255.2).
Identifiers: ClinVar variation 385047 (VCV000385047.10), dbSNP rs764452245, ClinGen allele CA2970125.

ClinVar aggregate classification (germline): Likely benign. Review status: criteria provided, multiple submitters, no conflicts (2 of 4 stars). 2 submissions from 2 submitters: Likely benign (2). Last evaluated 2024-05-18.

Conditions:
Progressive myoclonic epilepsy. Also called: Familial progressive myoclonic epilepsy; Progressive myoclonus epilepsy; Myoclonic Epilepsies, Progressive; Myoclonus epilepsy. Identifiers: Orphanet 308, Orphanet 98261, MedGen C0751778, MONDO:0020074.

Allele frequency attached by ClinVar (database versions not stated): gnomAD 0.00004 and 0.00003; gnomAD exomes below 0.00001; ExAC 0.00001; TOPMed 0.00002.
gnomAD v4.1: 12 of 1,614,072 alleles (0.00074%); highest among the groups gnomAD compares: African/African-American, 0.016%; no homozygotes.

Submissions (2):

Labcorp Genetics (formerly Invitae), Labcorp
Classification: Likely benign for Progressive myoclonic epilepsy. Last evaluated: 2024-05-18. Review status: criteria provided, single submitter. Criteria: Invitae Variant Classification Sherloc (09022015). Collection method: clinical testing. Allele origin: germline.

GeneDx
Classification: Likely benign. Last evaluated: 2016-03-31. Review status: criteria provided, single submitter. Criteria: GeneDx Variant Classification (06012015). Collection method: clinical testing. Allele origin: germline. Affected: yes.
Comment: This variant is considered likely benign or benign based on one or more of the following criteria: it is a conservative change, it occurs at a poorly conserved position in the protein, it is predicted to be benign by multiple in silico algorithms, and/or has population frequency not consistent with disease.